The following is an entry in ClinVar:

ClinVar aggregate classification (germline): Uncertain significance (1 of 4 stars; one submission).

gnomAD v4.1: 1 of 1,613,976 alleles (0.000062%); highest among the groups gnomAD compares: South Asian, 0.0011%; no homozygotes.

Submission:

Labcorp Genetics (formerly Invitae), Labcorp
Classification: Uncertain significance. Last evaluated: 2025-09-02. Review status: criteria provided, single submitter. Criteria: Invitae Variant Classification Sherloc (09022015). Collection method: clinical testing. Allele origin: germline.
Comment: This sequence change replaces cysteine, which is neutral and slightly polar, with tyrosine, which is neutral and polar, at codon 505 of the RP1 protein (p.Cys505Tyr). This variant is present in population databases (no rsID available, gnomAD 0.003%). This missense change has been observed in individual(s) with cone rod dystrophy (internal data). In at least one individual the data is consistent with being in trans (on the opposite chromosome) from a pathogenic variant. ClinVar contains an entry for this variant (Variation ID: 2744086). An algorithm developed to predict the effect of missense changes on protein structure and function (PolyPhen-2) suggests that this variant is likely to be disruptive. In summary, the available evidence is currently insufficient to determine the role of this variant in disease. Therefore, it has been classified as a Variant of Uncertain Significance.

NM_006269.2(RP1):c.1514G>A (p.Cys505Tyr)

Gene: RP1 (RP1 axonemal microtubule associated; plus strand). Cytogenetic location: 8q12.1.
Variant type: single nucleotide variant.
Coding change: c.1514G>A on transcript NM_006269.2 (MANE Select); coding-DNA position 1514, G replaced by A.
Protein change: p.Cys505Tyr; replaces cysteine 505 with tyrosine.
Molecular consequence: missense variant. On other transcripts: intron variant (1).
Genome position (GRCh38, 1-based): chr8:54,625,396, G>A. VCF-style: chr8-54625396-G-A. GRCh37 (hg19) VCF-style: chr8-55537956-G-A.
Other names: c.787+3108G>A (NM_001375654.1); short protein forms C505Y.
Identifiers: ClinVar variation 2744086 (VCV002744086.3), dbSNP rs1229330495, ClinGen allele CA370990627.